The following is an entry in ClinVar:

NM_007118.4(TRIO):c.7510G>A (p.Gly2504Arg)

Gene: TRIO (trio Rho guanine nucleotide exchange factor; plus strand). Cytogenetic location: 5p15.2.
Variant type: single nucleotide variant.
Coding change: c.7510G>A on transcript NM_007118.4 (MANE Select); coding-DNA position 7510, G replaced by A.
Protein change: p.Gly2504Arg; replaces glycine 2504 with arginine.
Molecular consequence: missense variant.
Genome position (GRCh38, 1-based): chr5:14,488,138, G>A. VCF-style: chr5-14488138-G-A. GRCh37 (hg19) VCF-style: chr5-14488247-G-A.
Other names: short protein forms G2504R.
Identifiers: ClinVar variation 3381513 (VCV003381513.1).

ClinVar aggregate classification (germline): Uncertain significance (1 of 4 stars; one submission).

Submission:

GeneDx
Classification: Uncertain significance. Last evaluated: 2024-05-20. Review status: criteria provided, single submitter. Criteria: GeneDx Variant Classification Process June 2021. Collection method: clinical testing. Allele origin: germline. Affected: yes.
Comment: Not observed at significant frequency in large population cohorts (gnomAD); In silico analysis indicates that this missense variant does not alter protein structure/function; Has not been previously published as pathogenic or benign to our knowledge